The following is an entry in ClinVar:

NM_032383.5(HPS3):c.2671C>T (p.Leu891Phe)

Genes: CP (ceruloplasmin; minus strand), HPS3 (HPS3 biogenesis of lysosomal organelles complex 2 subunit 1; plus strand). Cytogenetic location: 3q24.
Variant type: single nucleotide variant.
Coding change: c.2671C>T on transcript NM_032383.5 (MANE Select); coding-DNA position 2671, C replaced by T.
Protein change: p.Leu891Phe; replaces leucine 891 with phenylalanine.
Molecular consequence: missense variant.
Genome position (GRCh38, 1-based): chr3:149,167,115, C>T. VCF-style: chr3-149167115-C-T. GRCh37 (hg19) VCF-style: chr3-148884902-C-T.
Other names: c.2176C>T, p.Leu726Phe (NM_001308258.2); c.2671C>T (NM_032383.4); short protein forms L891F, L726F.
Identifiers: ClinVar variation 1951192 (VCV001951192.3), dbSNP rs1446775566, ClinGen allele CA354925560.

ClinVar aggregate classification (germline): Uncertain significance. Review status: criteria provided, single submitter (1 of 4 stars). 2 submissions from 2 submitters: Uncertain significance (1). 1 of the submissions does not count toward it. Last evaluated 2022-08-15.

Conditions:
Hermansky-Pudlak syndrome (HPS). Also called: ALBINISM WITH HEMORRHAGIC DIATHESIS AND PIGMENTED RETICULOENDOTHELIAL CELLS. Identifiers: Orphanet 79430, MedGen C0079504, MONDO:0019312.

Allele frequency attached by ClinVar (database versions not stated): gnomAD exomes 0.00001.
gnomAD v4.1: 9 of 1,613,560 alleles (0.00056%); highest among the groups gnomAD compares: Non-Finnish European, 0.00068%; no homozygotes.

Submissions (2):

Labcorp Genetics (formerly Invitae), Labcorp
Classification: Uncertain significance. Last evaluated: 2022-08-15. Review status: criteria provided, single submitter. Criteria: Invitae Variant Classification Sherloc (09022015). Collection method: clinical testing. Allele origin: germline.
Comment: This sequence change replaces leucine, which is neutral and non-polar, with phenylalanine, which is neutral and non-polar, at codon 891 of the HPS3 protein (p.Leu891Phe). This variant is present in population databases (no rsID available, gnomAD 0.0009%). This variant has not been reported in the literature in individuals affected with HPS3-related conditions. Algorithms developed to predict the effect of missense changes on protein structure and function are either unavailable or do not agree on the potential impact of this missense change (SIFT: "Tolerated"; PolyPhen-2: "Probably Damaging"; Align-GVGD: "Class C0"). In summary, the available evidence is currently insufficient to determine the role of this variant in disease. Therefore, it has been classified as a Variant of Uncertain Significance.

Natera, Inc.
Classification: Uncertain significance for Hermansky-Pudlak syndrome. Last evaluated: 2025-03-21. Review status: no assertion criteria provided. Collection method: clinical testing. Allele origin: germline. Not counted in ClinVar's aggregate classification.